The following is an entry in ClinVar:

ClinVar aggregate classification (germline): Uncertain significance (1 of 4 stars; one submission).

Conditions:
Charcot-Marie-Tooth disease type 4. Also called: Charcot-Marie-Tooth, Type 4; Charcot-Marie-Tooth disease, type IV. Identifiers: Orphanet 64749, MedGen C4082197, MONDO:0018995.

Submission:

Labcorp Genetics (formerly Invitae), Labcorp
Classification: Uncertain significance for Charcot-Marie-Tooth disease type 4. Last evaluated: 2022-11-01. Review status: criteria provided, single submitter. Criteria: Invitae Variant Classification Sherloc (09022015). Collection method: clinical testing. Allele origin: germline.
Comment: This sequence change replaces phenylalanine, which is neutral and non-polar, with valine, which is neutral and non-polar, at codon 180 of the SH3TC2 protein (p.Phe180Val). In summary, the available evidence is currently insufficient to determine the role of this variant in disease. Therefore, it has been classified as a Variant of Uncertain Significance. Algorithms developed to predict the effect of sequence changes on RNA splicing suggest that this variant may disrupt the consensus splice site. Advanced modeling of protein sequence and biophysical properties (such as structural, functional, and spatial information, amino acid conservation, physicochemical variation, residue mobility, and thermodynamic stability) has been performed at Invitae for this missense variant, however the output from this modeling did not meet the statistical confidence thresholds required to predict the impact of this variant on SH3TC2 protein function. This variant has not been reported in the literature in individuals affected with SH3TC2-related conditions. This variant is not present in population databases (gnomAD no frequency).

NM_024577.4(SH3TC2):c.538T>G (p.Phe180Val)

Gene: SH3TC2 (SH3 domain and tetratricopeptide repeats 2; minus strand). Cytogenetic location: 5q32.
Variant type: single nucleotide variant.
Coding change: c.538T>G on transcript NM_024577.4 (MANE Select); coding-DNA position 538, T replaced by G.
Protein change: p.Phe180Val; replaces phenylalanine 180 with valine.
Molecular consequence: missense variant.
Genome position (GRCh38, 1-based): chr5:149,041,609, A>C on the plus strand (T>G on the coding strand, the complement: SH3TC2 is on the minus strand). VCF-style: chr5-149041609-A-C. GRCh37 (hg19) VCF-style: chr5-148421172-A-C.
Other names: short protein forms F180V.
Identifiers: ClinVar variation 2005188 (VCV002005188.4), dbSNP rs2531791790, ClinGen allele CA361674807.
Genomic context (GRCh38, chr5:149,041,609, plus strand): 5'-GTGTCAAGCATTCCCCTTCCTTCTCGGCTGGTGGAGTCACGGAGCACAGGGCTCTGCAGA[A>C]GAAGTGGCCTGTGGATAATGAGAAAAGCAATGGCTTTCTAAGGAGTAGCAGGAAGTGAAA-3'
Protein context (NP_078853.2, residues 170-190): LGLLIQEGHF[Phe180Val]CRALCSVTPP